The following is an entry in ClinVar:

NM_001278512.2(AP3B2):c.1737G>A (p.Ala579=)

Genes: AP3B2 (adaptor related protein complex 3 subunit beta 2; minus strand), CPEB1-AS1 (CPEB1 antisense RNA 1; plus strand). Cytogenetic location: 15q25.2.
Variant type: single nucleotide variant.
Coding change: c.1737G>A on transcript NM_001278512.2 (MANE Select); coding-DNA position 1737, G replaced by A.
Protein change: p.Ala579=; no amino-acid change (alanine 579 retained).
Molecular consequence: synonymous variant.
Genome position (GRCh38, 1-based): chr15:82,666,862, C>T on the plus strand (G>A on the coding strand, the complement: AP3B2 is on the minus strand). VCF-style: chr15-82666862-C-T. GRCh37 (hg19) VCF-style: chr15-83335614-C-T.
Other names: c.1641G>A, p.Ala547= (NM_001278511.2); c.1737G>A, p.Ala579= (NM_004644.5).
Identifiers: ClinVar variation 1931811 (VCV001931811.15), dbSNP rs1053635204, ClinGen allele CA273484091.

ClinVar aggregate classification (germline): Likely benign. Review status: criteria provided, multiple submitters, no conflicts (2 of 4 stars). 2 submissions from 2 submitters: Likely benign (2). Last evaluated 2025-05-01.

Allele frequency attached by ClinVar (database versions not stated): gnomAD 0.00001; gnomAD exomes 0.00001.
gnomAD v4.1: 19 of 1,613,872 alleles (0.0012%); highest among the groups gnomAD compares: South Asian, 0.0033%; no homozygotes.

Submissions (2):

CeGaT Center for Human Genetics Tuebingen
Classification: Likely benign. Last evaluated: 2025-05-01. Review status: criteria provided, single submitter. Criteria: CeGaT Center For Human Genetics Tuebingen Variant Classification Criteria Version 2. Collection method: clinical testing. Allele origin: germline. Affected: yes. Observed: 1 variant allele.
Comment: AP3B2: BP4, BP7

Labcorp Genetics (formerly Invitae), Labcorp
Classification: Likely benign. Last evaluated: 2023-03-01. Review status: criteria provided, single submitter. Criteria: Invitae Variant Classification Sherloc (09022015). Collection method: clinical testing. Allele origin: germline.